The following is an entry in ClinVar:

NM_000143.4(FH):c.1267C>G (p.Leu423Val)

Gene: FH (fumarate hydratase; minus strand). Cytogenetic location: 1q43.
Variant type: single nucleotide variant.
Coding change: c.1267C>G on transcript NM_000143.4 (MANE Select); coding-DNA position 1267, C replaced by G.
Protein change: p.Leu423Val; replaces leucine 423 with valine.
Molecular consequence: missense variant.
Genome position (GRCh38, 1-based): chr1:241,500,560, G>C on the plus strand (C>G on the coding strand, the complement: FH is on the minus strand). VCF-style: chr1-241500560-G-C. GRCh37 (hg19) VCF-style: chr1-241663860-G-C.
Other names: NC_000001.10:g.241663860G>C; short protein forms L423V.
Identifiers: ClinVar variation 1764427 (VCV001764427.4), dbSNP rs1291624811, ClinGen allele CA345436836.
Genomic context (GRCh38, chr1:241,500,560, plus strand): 5'-CTGTATTGGCCTGGATTCCCACCACGCAGTTTTCTGTAAAGGAAACTGAAGCATCCCCCA[G>C]CAGCCTGGCTGAGTGTAACACATTTTTAATCTTTGAGTGAGTGAGAGAGAGAGAGAGAGA-3'
Protein context (NP_000134.2, residues 413-433): IKNVLHSARL[Leu423Val]GDASVSFTEN

ClinVar aggregate classification (germline): Uncertain significance (1 of 4 stars; one submission).

Conditions:
Hereditary cancer-predisposing syndrome. Also called: Neoplastic Syndromes, Hereditary; Tumor predisposition; Hereditary Cancer Syndrome; Hereditary neoplastic syndrome. Identifiers: Orphanet 140162, MedGen C0027672, MeSH D009386, MONDO:0015356.

Submissions (2):

Ambry Genetics
Classification: Uncertain significance for Hereditary cancer-predisposing syndrome. Last evaluated: 2024-05-01. Review status: criteria provided, single submitter. Criteria: Ambry Variant Classification Scheme 2023. Collection method: clinical testing. Allele origin: germline.
Comment: The p.L423V variant (also known as c.1267C>G), located in coding exon 9 of the FH gene, results from a C to G substitution at nucleotide position 1267. The leucine at codon 423 is replaced by valine, an amino acid with highly similar properties. This amino acid position is highly conserved in available vertebrate species. In addition, the in silico prediction for p.L423V is inconclusive. Based on the available evidence, the clinical significance of this variant remains unclear.

Dr. Peter K. Rogan Lab, Western University
No classification provided (evidence only). Condition: Ovarian serous cystadenocarcinoma. Review status: no classification provided. Collection method: in vitro. Allele origin: not applicable. Functional consequence: retained intron. Not counted in ClinVar's aggregate classification.